The following is an entry in ClinVar:

ClinVar aggregate classification (germline): Pathogenic (1 of 4 stars; one submission).

Conditions:
Peroxisome biogenesis disorder. Identifiers: Orphanet 79189, MedGen C1832200, MONDO:0019234. Disease mechanism: loss of function.

Submission:

Myriad Genetics, Inc.
Classification: Pathogenic for Peroxisome biogenesis disorder. Last evaluated: 2026-02-23. Review status: criteria provided, single submitter. Criteria: Myriad Autosomal Dominant, Autosomal Recessive and X-Linked Classification Criteria (2023). Collection method: clinical testing. Allele origin: unknown.
Comment: NM_000466.2(PEX1):c.1377dupA(E460Rfs*30) is expected to be pathogenic in the context of peroxisome biogenesis disorder type 1. This variant is predicted to lead to an abnormal or absent protein product due to the creation of a premature termination codon in PEX1, a gene where loss-of-function variants are known to be pathogenic. Please note: this variant was assessed in the context of healthy population screening.

NM_000466.3(PEX1):c.1377dup (p.Glu460fs)

Gene: PEX1 (peroxisomal biogenesis factor 1; minus strand). Cytogenetic location: 7q21.2.
Variant type: Duplication.
Coding change: c.1377dup on transcript NM_000466.3 (MANE Select); coding-DNA position 1377, one base duplicated (A; older notation c.1377dupA).
Protein change: p.Glu460fs; shifts the reading frame from glutamic acid 460.
Molecular consequence: frameshift variant.
Genome position (GRCh38, 1-based): chr7:92,511,686, T duplicated on the plus strand (A on the coding strand, the reverse complement: PEX1 is on the minus strand); the first of 2 consecutive T bases (chr7:92,511,686-92,511,687); duplicating either gives the same sequence. VCF-style (leftmost placement, unchanged base first): chr7-92511685-C-CT. GRCh37 (hg19) VCF-style: chr7-92140999-C-CT.
Other names: c.1377dup, p.Glu460fs (NM_001282677.2); c.753dup, p.Glu252fs (NM_001282678.2); short protein forms E252fs, E460fs.
Identifiers: ClinVar variation 5015600 (VCV005015600.1).